The following is an entry in ClinVar:

ClinVar aggregate classification (germline): Pathogenic. Review status: criteria provided, multiple submitters, no conflicts (2 of 4 stars). 2 submissions from 2 submitters: Pathogenic (2). Last evaluated 2022-04-11.

Conditions:
Niemann-Pick disease, type C1. Also called: NEUROVISCERAL STORAGE DISEASE WITH VERTICAL SUPRANUCLEAR OPHTHALMOPLEGIA; NIEMANN-PICK DISEASE WITH CHOLESTEROL ESTERIFICATION BLOCK; NIEMANN-PICK DISEASE WITHOUT SPHINGOMYELINASE DEFICIENCY; NIEMANN-PICK DISEASE, CHRONIC NEURONOPATHIC FORM; NIEMANN-PICK DISEASE, VARIANT TYPE C1. Identifiers: Orphanet 646, MedGen C3179455, MONDO:0009757, OMIM 257220.

Submissions (2):

Labcorp Genetics (formerly Invitae), Labcorp
Classification: Pathogenic for Niemann-Pick disease, type C1. Last evaluated: 2022-04-11. Review status: criteria provided, single submitter. Criteria: Invitae Variant Classification Sherloc (09022015). Collection method: clinical testing. Allele origin: germline.
Comment: For these reasons, this variant has been classified as Pathogenic. ClinVar contains an entry for this variant (Variation ID: 373793). This variant has not been reported in the literature in individuals affected with NPC1-related conditions. This variant is not present in population databases (gnomAD no frequency). This sequence change creates a premature translational stop signal (p.Phe763Cysfs*8) in the NPC1 gene. It is expected to result in an absent or disrupted protein product. Loss-of-function variants in NPC1 are known to be pathogenic (PMID: 9211850).

GeneDx
Classification: Pathogenic. Last evaluated: 2018-03-07. Review status: criteria provided, single submitter. Criteria: GeneDx Variant Classification (06012015). Collection method: clinical testing. Allele origin: germline. Affected: yes.
Comment: The c.2286_2287delCT variant in the NPC1 gene has not been reported previously as a pathogenic variant nor as a benign variant, to our knowledge. The c.2286_2287delCT variant causes a frameshift starting with codon Phenylalanine 763, changes this amino acid to a Cysteine residue, and creates a premature Stop codon at position 8 of the new reading frame, denoted p.Phe763CysfsX8. This variant is predicted to cause loss of normal protein function either through protein truncation or nonsense-mediated mRNA decay. The c.2286_2287delCT variant is not observed in large population cohorts (Lek et al., 2016). We interpret c.2286_2287delCT as a pathogenic variant.

Literature cited by the submitters: PubMed 9211850 (cited by Labcorp Genetics (formerly Invitae), Labcorp).

NM_000271.5(NPC1):c.2286_2287del (p.Phe763fs)

Gene: NPC1 (NPC intracellular cholesterol transporter 1; minus strand). Cytogenetic location: 18q11.2.
Variant type: Microsatellite.
Coding change: c.2286_2287del on transcript NM_000271.5 (MANE Select); coding-DNA positions 2286 to 2287, 2 bases deleted (CT; older notation c.2286_2287delCT).
Protein change: p.Phe763fs; shifts the reading frame from phenylalanine 763.
Molecular consequence: frameshift variant.
Genome position (GRCh38, 1-based): chr18:23,541,392-23,541,393, AG deleted on the plus strand (CT on the coding strand, the reverse complement: NPC1 is on the minus strand); deleting any 2 consecutive bases within chr18:23,541,392-23,541,400 gives the same sequence; the c. name uses the placement nearest the transcript's 3' end. VCF-style (leftmost placement, unchanged base first): chr18-23541391-AAG-A. GRCh37 (hg19) VCF-style: chr18-21121355-AAG-A.
Other names: short protein forms F763fs.
Identifiers: ClinVar variation 373793 (VCV000373793.6), dbSNP rs1057518613, ClinGen allele CA16043032.
Genomic context (GRCh38, chr18:23,541,391, plus strand): 5'-AAGAGACTCACGAAACAGGTAATCTGCAGAAGAAAGTCAATGAAGACTGCCAATCCCGCA[AAG>A]AGAGAGAAGGTGTGCACGGCTGGCATCACGGACAATGCTCCTGTCGGGGAGAGAAGGGCT-3'